The following is an entry in ClinVar:

ClinVar aggregate classification (germline): Pathogenic (1 of 4 stars; one submission).

Conditions:
Hereditary spastic paraplegia 11. Also called: Spastic Paraplegia 11; Nakamura Osame syndrome; Autosomal recessive hereditary spastic paraplegia, mental impairment, and thin corpus callosum; SPASTIC PARAPLEGIA, AUTOSOMAL RECESSIVE, COMPLICATED, WITH THIN CORPUS CALLOSUM; SPASTIC PARAPLEGIA, AUTOSOMAL RECESSIVE, WITH MENTAL IMPAIRMENT AND THIN CORPUS CALLOSUM; Spastic paraplegia, mental retardation and thin corpus callosum. Identifiers: Orphanet 2822, MedGen C1858479, MONDO:0011445, OMIM 604360.

Submission:

Labcorp Genetics (formerly Invitae), Labcorp
Classification: Pathogenic for Hereditary spastic paraplegia 11. Last evaluated: 2021-11-15. Review status: criteria provided, single submitter. Criteria: Invitae Variant Classification Sherloc (09022015). Collection method: clinical testing. Allele origin: germline.
Comment: For these reasons, this variant has been classified as Pathogenic. This premature translational stop signal has been observed in individual(s) with hereditary spastic paraplegia (PMID: 29934652). This variant is not present in population databases (gnomAD no frequency). This sequence change creates a premature translational stop signal (p.Cys1996Serfs*3) in the SPG11 gene. It is expected to result in an absent or disrupted protein product. Loss-of-function variants in SPG11 are known to be pathogenic (PMID: 19105190, 20110243, 22154821, 26556829).

Literature cited by the submitters: PubMed 29934652; PubMed 19105190; PubMed 20110243; PubMed 22154821; PubMed 26556829.

NM_025137.4(SPG11):c.5985_5986del (p.Cys1996fs)

Gene: SPG11 (SPG11 vesicle trafficking associated, spatacsin; minus strand). Cytogenetic location: 15q21.1.
Variant type: Microsatellite.
Coding change: c.5985_5986del on transcript NM_025137.4 (MANE Select); coding-DNA positions 5985 to 5986, 2 bases deleted (CT; older notation c.5985_5986delCT).
Protein change: p.Cys1996fs; shifts the reading frame from cysteine 1996.
Molecular consequence: frameshift variant. On other transcripts: intron variant (1).
Genome position (GRCh38, 1-based): chr15:44,574,922-44,574,923, AG deleted on the plus strand (CT on the coding strand, the reverse complement: SPG11 is on the minus strand); deleting any 2 consecutive bases within chr15:44,574,922-44,574,925 gives the same sequence; the c. name uses the placement nearest the transcript's 3' end. VCF-style (leftmost placement, unchanged base first): chr15-44574921-CAG-C. GRCh37 (hg19) VCF-style: chr15-44867119-CAG-C.
Other names: c.5867-2103_5867-2102del (NM_001160227.2); short protein forms C1996fs.
Identifiers: ClinVar variation 1455416 (VCV001455416.6), dbSNP rs1555447724, ClinGen allele CA713054347.